The following is an entry in ClinVar:

NM_005609.4(PYGM):c.2024C>T (p.Ser675Leu)

Gene: PYGM (glycogen phosphorylase, muscle associated; minus strand). Cytogenetic location: 11q13.1.
Variant type: single nucleotide variant.
Coding change: c.2024C>T on transcript NM_005609.4 (MANE Select); coding-DNA position 2024, C replaced by T.
Protein change: p.Ser675Leu; replaces serine 675 with leucine.
Molecular consequence: missense variant.
Genome position (GRCh38, 1-based): chr11:64,750,529, G>A on the plus strand (C>T on the coding strand, the complement: PYGM is on the minus strand). VCF-style: chr11-64750529-G-A. GRCh37 (hg19) VCF-style: chr11-64518001-G-A.
Other names: c.1760C>T, p.Ser587Leu (NM_001164716.1); c.2024C>T (NM_005609.2); short protein forms S675L, S587L.
Identifiers: ClinVar variation 194750 (VCV000194750.13), dbSNP rs794727189, ClinGen allele CA240894.

ClinVar aggregate classification (germline): Conflicting classifications of pathogenicity. Review status: criteria provided, conflicting classifications (1 of 4 stars). 4 submissions from 4 submitters: Pathogenic (1); Uncertain significance (3). Last evaluated 2024-10-15.

Conditions:
Glycogen storage disease, type V (GSD5). Also called: McArdle type glycogen storage disease; PYGM DEFICIENCY; MCARDLE DISEASE; MUSCLE GLYCOGEN PHOSPHORYLASE DEFICIENCY; MYOPHOSPHORYLASE DEFICIENCY. Identifiers: Orphanet 368, MedGen C0017924, MONDO:0009293, OMIM 232600.

Allele frequency attached by ClinVar (database versions not stated): gnomAD 0.00001; TOPMed 0.00004.

Submissions (4):

Labcorp Genetics (formerly Invitae), Labcorp
Classification: Pathogenic for Glycogen storage disease, type V. Last evaluated: 2024-10-15. Review status: criteria provided, single submitter. Criteria: Invitae Variant Classification Sherloc (09022015). Collection method: clinical testing. Allele origin: germline.
Comment: This sequence change replaces serine, which is neutral and polar, with leucine, which is neutral and non-polar, at codon 675 of the PYGM protein (p.Ser675Leu). This variant is not present in population databases (gnomAD no frequency). This missense change has been observed in individual(s) with clinical features of glycogen storage disease (PMID: 17705025, 32735634; internal data). ClinVar contains an entry for this variant (Variation ID: 194750). Invitae Evidence Modeling of protein sequence and biophysical properties (such as structural, functional, and spatial information, amino acid conservation, physicochemical variation, residue mobility, and thermodynamic stability) indicates that this missense variant is expected to disrupt PYGM protein function with a positive predictive value of 95%. For these reasons, this variant has been classified as Pathogenic.

Blueprint Genetics
Classification: Uncertain significance. Last evaluated: 2023-09-19. Review status: criteria provided, single submitter. Criteria: ACMG Guidelines, 2015. Collection method: clinical testing. Allele origin: germline.

Revvity Omics, Revvity
Classification: Uncertain significance for Glycogen storage disease, type V. Last evaluated: 2019-10-15. Review status: criteria provided, single submitter. Criteria: ACMG Guidelines, 2015. Collection method: clinical testing. Allele origin: germline.

Eurofins Ntd Llc (ga)
Classification: Uncertain significance. Last evaluated: 2017-05-01. Review status: criteria provided, single submitter. Criteria: EGL Classification Definitions 2015. Collection method: clinical testing. Allele origin: germline. Observed: 3 variant alleles, 3 heterozygotes.

Literature cited by the submitters: PubMed 17705025 (cited by Labcorp Genetics (formerly Invitae), Labcorp); PubMed 32735634 (cited by Labcorp Genetics (formerly Invitae), Labcorp).